The following is an entry in ClinVar:

ClinVar aggregate classification (germline): Uncertain significance. Review status: criteria provided, multiple submitters, no conflicts (2 of 4 stars). 2 submissions from 2 submitters: Uncertain significance (2). Last evaluated 2026-08-29.

Conditions:
Cardiovascular phenotype. Identifiers: MedGen CN230736.
Dilated cardiomyopathy 1W (CMD1W). Identifiers: Orphanet 154, MedGen C1969639, MONDO:0012667, OMIM 611407.

Submissions (2):

Ambry Genetics
Classification: Uncertain significance for Cardiovascular phenotype. Last evaluated: 2026-08-29. Review status: criteria provided, single submitter. Criteria: Ambry Variant Classification Scheme 2023. Collection method: clinical testing. Allele origin: germline.
Comment: The p.V44M variant (also known as c.130G>A), located in coding exon 1 of the VCL gene, results from a G to A substitution at nucleotide position 130. The valine at codon 44 is replaced by methionine, an amino acid with highly similar properties. This amino acid position is conserved. In addition, the in silico prediction for this alteration is inconclusive. Based on the available evidence, the clinical significance of this variant remains unclear.

Labcorp Genetics (formerly Invitae), Labcorp
Classification: Uncertain significance for Dilated cardiomyopathy 1W. Last evaluated: 2024-09-15. Review status: criteria provided, single submitter. Criteria: Invitae Variant Classification Sherloc (09022015). Collection method: clinical testing. Allele origin: germline.
Comment: This sequence change replaces valine, which is neutral and non-polar, with methionine, which is neutral and non-polar, at codon 44 of the VCL protein (p.Val44Met). The frequency data for this variant in the population databases is considered unreliable, as metrics indicate poor data quality at this position in the gnomAD database. This variant has not been reported in the literature in individuals affected with VCL-related conditions. An algorithm developed to predict the effect of missense changes on protein structure and function (PolyPhen-2) suggests that this variant is likely to be disruptive. In summary, the available evidence is currently insufficient to determine the role of this variant in disease. Therefore, it has been classified as a Variant of Uncertain Significance.

NM_014000.3(VCL):c.130G>A (p.Val44Met)

Genes: VCL (vinculin; plus strand), LOC130004109 (ATAC-STARR-seq lymphoblastoid active region 3587; plus strand). Cytogenetic location: 10q22.2.
Variant type: single nucleotide variant.
Coding change: c.130G>A on transcript NM_014000.3 (MANE Select); coding-DNA position 130, G replaced by A.
Protein change: p.Val44Met; replaces valine 44 with methionine.
Molecular consequence: missense variant.
Genome position (GRCh38, 1-based): chr10:73,998,337, G>A. VCF-style: chr10-73998337-G-A. GRCh37 (hg19) VCF-style: chr10-75758095-G-A.
Other names: c.130G>A, p.Val44Met (NM_003373.4); short protein forms V44M.
Identifiers: ClinVar variation 3677953 (VCV003677953.3).